The following is an entry in ClinVar:

NM_000246.4(CIITA):c.1577G>A (p.Arg526Gln)

Gene: CIITA (class II major histocompatibility complex transactivator; plus strand). Cytogenetic location: 16p13.13.
Variant type: single nucleotide variant.
Coding change: c.1577G>A on transcript NM_000246.4 (MANE Select); coding-DNA position 1577, G replaced by A.
Protein change: p.Arg526Gln; replaces arginine 526 with glutamine.
Molecular consequence: missense variant. On other transcripts: intron variant (1).
Genome position (GRCh38, 1-based): chr16:10,907,069, G>A. VCF-style: chr16-10907069-G-A. GRCh37 (hg19) VCF-style: chr16-11000926-G-A.
Other names: c.1580G>A, p.Arg527Gln (NM_001286402.1, NM_001379332.1); c.1433G>A, p.Arg478Gln (NM_001379330.1); c.1430G>A, p.Arg477Gln (NM_001379331.1); c.1577G>A, p.Arg526Gln (NM_001379333.1); c.1508G>A, p.Arg503Gln (NM_001379334.1); c.860-1914G>A (NM_001286403.2); short protein forms R527Q, R526Q, R477Q, R478Q, R503Q.
Identifiers: ClinVar variation 646644 (VCV000646644.7), dbSNP rs200240463, ClinGen allele CA277745893.

ClinVar aggregate classification (germline): Uncertain significance. Review status: criteria provided, single submitter (1 of 4 stars). 2 submissions from 2 submitters: Uncertain significance (1). 1 of the submissions does not count toward it. Last evaluated 2022-05-19.

Conditions:
MHC class II deficiency. Also called: Bare lymphocyte syndrome 2; BLS, TYPE II. Identifiers: Orphanet 572, MedGen C5447452, MONDO:0008855.

Allele frequency attached by ClinVar (database versions not stated): gnomAD 0.00003.
gnomAD v4.1: 14 of 1,607,058 alleles (0.00087%); highest among the groups gnomAD compares: South Asian, 0.0033%; no homozygotes.

Submissions (2):

Labcorp Genetics (formerly Invitae), Labcorp
Classification: Uncertain significance for MHC class II deficiency. Last evaluated: 2022-05-19. Review status: criteria provided, single submitter. Criteria: Invitae Variant Classification Sherloc (09022015). Collection method: clinical testing. Allele origin: germline.
Comment: This sequence change replaces arginine, which is basic and polar, with glutamine, which is neutral and polar, at codon 526 of the CIITA protein (p.Arg526Gln). This variant is present in population databases (no rsID available, gnomAD 0.01%). This variant has not been reported in the literature in individuals affected with CIITA-related conditions. ClinVar contains an entry for this variant (Variation ID: 646644). Algorithms developed to predict the effect of missense changes on protein structure and function are either unavailable or do not agree on the potential impact of this missense change (SIFT: "Deleterious"; PolyPhen-2: "Benign"; Align-GVGD: "Class C0"). Algorithms developed to predict the effect of sequence changes on RNA splicing suggest that this variant may create or strengthen a splice site. In summary, the available evidence is currently insufficient to determine the role of this variant in disease. Therefore, it has been classified as a Variant of Uncertain Significance.

Natera, Inc.
Classification: Uncertain significance for Bare lymphocyte syndrome type II. Last evaluated: 2020-09-01. Review status: no assertion criteria provided. Collection method: clinical testing. Allele origin: germline. Not counted in ClinVar's aggregate classification.